The following is an entry in ClinVar:

NM_001042492.3(NF1):c.6004C>T (p.Gln2002Ter)

Gene: NF1 (neurofibromin 1; plus strand). Cytogenetic location: 17q11.2.
Variant type: single nucleotide variant.
Coding change: c.6004C>T on transcript NM_001042492.3 (MANE Select); coding-DNA position 6004, C replaced by T.
Protein change: p.Gln2002Ter; replaces glutamine 2002 with a stop codon.
Molecular consequence: nonsense.
Genome position (GRCh38, 1-based): chr17:31,335,029, C>T. VCF-style: chr17-31335029-C-T. GRCh37 (hg19) VCF-style: chr17-29662047-C-T.
Other names: c.5941C>T, p.Gln1981Ter (NM_000267.4); short protein forms Q2002*, Q1981*.
Identifiers: ClinVar variation 578868 (VCV000578868.16), dbSNP rs1567615941, ClinGen allele CA399010976.

ClinVar aggregate classification (germline): Pathogenic. Review status: criteria provided, multiple submitters, no conflicts (2 of 4 stars). 4 submissions from 4 submitters: Pathogenic (4). Last evaluated 2026-03-19.

Conditions:
Cardiovascular phenotype. Identifiers: MedGen CN230736.
Hereditary cancer-predisposing syndrome. Also called: Tumor predisposition; Hereditary Cancer Syndrome; Neoplastic Syndromes, Hereditary; Hereditary neoplastic syndrome. Identifiers: Orphanet 140162, MedGen C0027672, MeSH D009386, MONDO:0015356.
Neurofibromatosis, type 1 (NF1). Also called: VON RECKLINGHAUSEN DISEASE; Neurofibromatosis, type I; NEUROFIBROMATOSIS, TYPE I, SOMATIC; Peripheral type neurofibromatosis. Identifiers: Orphanet 636, MedGen C0027831, MONDO:0018975, OMIM 162200. Disease mechanism: loss of function.

Submissions (4):

Ambry Genetics
Classification: Pathogenic for Cardiovascular phenotype; Hereditary cancer-predisposing syndrome. Last evaluated: 2026-03-19. Review status: criteria provided, single submitter. Criteria: Ambry Variant Classification Scheme 2023. Collection method: clinical testing. Allele origin: germline.
Comment: The p.Q1981* pathogenic mutation (also known as c.5941C>T), located in coding exon 39 of the NF1 gene, results from a C to T substitution at nucleotide position 5941. This changes the amino acid from a glutamine to a stop codon within coding exon 39. This variant was reported in individual(s) with features consistent with neurofibromatosis type 1 (Pemov A et al. Oncogene. 2017 06;36:3168-3177; Evans DG et al. EBioMedicine. 2016 May;7:212-20; Xu W et al. Int. J. Mol. Med. 2014 Jul;34:53-60; Ambry internal data). This variant is considered to be rare based on population cohorts in the Genome Aggregation Database (gnomAD). In addition to the clinical data presented in the literature, this alteration is expected to result in loss of function by premature protein truncation or nonsense-mediated mRNA decay. As such, this alteration is interpreted as a disease-causing mutation.

Labcorp Genetics (formerly Invitae), Labcorp
Classification: Pathogenic for Neurofibromatosis, type 1. Last evaluated: 2026-01-06. Review status: criteria provided, single submitter. Criteria: Invitae Variant Classification Sherloc (09022015). Collection method: clinical testing. Allele origin: germline.
Comment: This sequence change creates a premature translational stop signal (p.Gln1981*) in the NF1 gene. It is expected to result in an absent or disrupted protein product. Loss-of-function variants in NF1 are known to be pathogenic (PMID: 10712197, 23913538). This variant is not present in population databases (gnomAD no frequency). This premature translational stop signal has been observed in individual(s) with breast cancer (PMID: 32427313). Invitae Evidence Modeling of clinical and family history, age, sex, and reported ancestry of multiple individuals with this NF1 variant has been performed. This variant is expected to be pathogenic with a positive predictive value of at least 99%. This is a validated machine learning model that incorporates the clinical features of 1,785,918 individuals referred to our laboratory for NF1 testing. ClinVar contains an entry for this variant (Variation ID: 578868). Algorithms developed to predict the effect of sequence changes on RNA splicing suggest that this variant may disrupt the consensus splice site. For these reasons, this variant has been classified as Pathogenic.

GeneDx
Classification: Pathogenic. Last evaluated: 2022-08-03. Review status: criteria provided, single submitter. Criteria: GeneDx Variant Classification Process June 2021. Collection method: clinical testing. Allele origin: germline. Affected: yes.
Comment: Nonsense variant predicted to result in protein truncation or nonsense mediated decay in a gene for which loss-of-function is a known mechanism of disease; Not observed in large population cohorts (gnomAD); Observed in an individual with a personal history of breast cancer in the published literature (Palmer et al., 2020); Also known as c.6004C>T; This variant is associated with the following publications: (PMID: 25525159, 16199547, 24789688, 27322474, 28068329, 32427313)

Genome-Nilou Lab
Classification: Pathogenic for Neurofibromatosis, type 1. Last evaluated: 2022-03-15. Review status: criteria provided, single submitter. Criteria: ACMG Guidelines, 2015. Collection method: clinical testing. Allele origin: germline. Affected: no.

Literature cited by the submitters: PubMed 24789688 (cited by Ambry Genetics); PubMed 27322474 (cited by Ambry Genetics); PubMed 28068329 (cited by Ambry Genetics); PubMed 10712197 (cited by Labcorp Genetics (formerly Invitae), Labcorp); PubMed 23913538 (cited by Labcorp Genetics (formerly Invitae), Labcorp); PubMed 32427313 (cited by Labcorp Genetics (formerly Invitae), Labcorp).